The following is an entry in ClinVar:

NM_000051.4(ATM):c.8781C>G (p.Phe2927Leu)

Genes: ATM (ATM serine/threonine kinase; plus strand), C11orf65 (chromosome 11 open reading frame 65; minus strand). Cytogenetic location: 11q22.3.
Variant type: single nucleotide variant.
Coding change: c.8781C>G on transcript NM_000051.4 (MANE Select); coding-DNA position 8781, C replaced by G.
Protein change: p.Phe2927Leu; replaces phenylalanine 2927 with leucine.
Molecular consequence: missense variant. On other transcripts: intron variant (2).
Genome position (GRCh38, 1-based): chr11:108,353,875, C>G. VCF-style: chr11-108353875-C-G. GRCh37 (hg19) VCF-style: chr11-108224602-C-G.
Other names: c.8781C>G, p.Phe2927Leu (NM_001351834.2); c.640+32045G>C (NM_001330368.2); c.695-18583G>C (NM_001351110.2); short protein forms F2927L.
Identifiers: ClinVar variation 3451983 (VCV003451983.1).
Genomic context (GRCh38, chr11:108,353,875, plus strand): 5'-TTTTAGACTCACCAGAGATATTGTGGATGGCATGGGCATTACGGGTGTTGAAGGTGTCTT[C>G]AGAAGGTAAGTGATATGAAGTAAAGGAGGGAAATAATTTTTGATGTCAAAATTACATGGG-3'
Protein context (NP_000042.3, residues 2917-2937): GMGITGVEGV[Phe2927Leu]RRCCEKTMEV

ClinVar aggregate classification (germline): Uncertain significance (1 of 4 stars; one submission).

Conditions:
Hereditary cancer-predisposing syndrome. Also called: Tumor predisposition; Hereditary Cancer Syndrome; Neoplastic Syndromes, Hereditary; Hereditary neoplastic syndrome. Identifiers: Orphanet 140162, MedGen C0027672, MeSH D009386, MONDO:0015356.

Submission:

Ambry Genetics
Classification: Uncertain significance for Hereditary cancer-predisposing syndrome. Last evaluated: 2024-10-30. Review status: criteria provided, single submitter. Criteria: Ambry Variant Classification Scheme 2023. Collection method: clinical testing. Allele origin: germline.
Comment: The p.F2927L variant (also known as c.8781C>G), located in coding exon 59 of the ATM gene, results from a C to G substitution at nucleotide position 8781. The phenylalanine at codon 2927 is replaced by leucine, an amino acid with highly similar properties. This amino acid position is highly conserved in available vertebrate species. In addition, this alteration is predicted to be deleterious by in silico analysis. Based on the available evidence, the clinical significance of this variant remains unclear.